The following is an entry in ClinVar:

ClinVar aggregate classification (germline): Pathogenic. Review status: criteria provided, multiple submitters, no conflicts (2 of 4 stars). 2 submissions from 2 submitters: Pathogenic (2). Last evaluated 2023-08-24.

Conditions:
Hereditary cancer-predisposing syndrome. Also called: Neoplastic Syndromes, Hereditary; Tumor predisposition; Hereditary Cancer Syndrome; Hereditary neoplastic syndrome. Identifiers: Orphanet 140162, MedGen C0027672, MeSH D009386, MONDO:0015356.
Lynch syndrome 5 (LYNCH5). Also called: Hereditary non-polyposis colorectal cancer, type 5; Colorectal cancer, hereditary nonpolyposis, type 5. Identifiers: Orphanet 144, MedGen C1833477, MONDO:0013710, OMIM 614350. Disease mechanism: loss of function.

Submissions (2):

Myriad Genetics, Inc.
Classification: Pathogenic for Lynch syndrome 5. Last evaluated: 2023-08-24. Review status: criteria provided, single submitter. Criteria: Myriad Autosomal Dominant, Autosomal Recessive and X-Linked Classification Criteria (2023). Collection method: clinical testing. Allele origin: unknown.
Comment: This variant is considered pathogenic. This variant creates a frameshift predicted to result in premature protein truncation.

Ambry Genetics
Classification: Pathogenic for Hereditary cancer-predisposing syndrome. Last evaluated: 2021-03-15. Review status: criteria provided, single submitter. Criteria: Ambry Variant Classification Scheme 2023. Collection method: clinical testing. Allele origin: germline.
Comment: The c.3622delT pathogenic mutation, located in coding exon 7 of the MSH6 gene, results from a deletion of one nucleotide at nucleotide position 3622, causing a translational frameshift with a predicted alternate stop codon (p.S1208Lfs*8). This alteration is expected to result in loss of function by premature protein truncation or nonsense-mediated mRNA decay. As such, this alteration is interpreted as a disease-causing mutation.

NM_000179.3(MSH6):c.3622del (p.Ser1208fs)

Gene: MSH6 (mutS homolog 6; plus strand). Cytogenetic location: 2p16.3.
Variant type: Deletion.
Coding change: c.3622del on transcript NM_000179.3 (MANE Select); coding-DNA position 3622, one base deleted (T; older notation c.3622delT).
Protein change: p.Ser1208fs; shifts the reading frame from serine 1208.
Molecular consequence: frameshift variant.
Genome position (GRCh38, 1-based): chr2:47,805,683, T deleted; the last of 2 consecutive T bases (chr2:47,805,682-47,805,683); deleting either gives the same sequence. VCF-style (leftmost placement, unchanged base first): chr2-47805681-AT-A. GRCh37 (hg19) VCF-style: chr2-48032820-AT-A.
Other names: c.2716delT, p.Ser906Leufs (NM_001406814.1, NM_001406815.1, NM_001406816.1 and 4 more transcripts); c.2056delT, p.Ser686Leufs (NM_001406817.1); c.3325delT, p.Ser1109Leufs (NM_001406818.1, NM_001406830.1, NM_001406819.1 and 10 more transcripts); c.3454delT, p.Ser1152Leufs (NM_001406826.1); c.403delT, p.Ser135Leufs (NM_001406831.1); c.3232del, p.Ser1078fs (NM_001281492.2); c.2716del, p.Ser906fs (NM_001281493.2, NM_001281494.2); c.3718delT, p.Ser1240Leufs (NM_001406795.1, NM_001406802.1); and 8 more; short protein forms S1078fs, S1208fs, S906fs.
Identifiers: ClinVar variation 1733337 (VCV001733337.3), dbSNP rs1553332733, ClinGen allele CA2580067254.